The following is an entry in ClinVar:

NM_005629.4(SLC6A8):c.183CAT[1] (p.Ile62del)

Gene: SLC6A8 (solute carrier family 6 member 8; plus strand). Cytogenetic location: Xq28.
Variant type: Microsatellite.
Coding change: c.183CAT[1] on transcript NM_005629.4 (MANE Select); one copy of the 3-base unit CAT starting at c.183; the reference has two copies in a row; one copy, 3 bases deleted.
Protein change: p.Ile62del; deletes isoleucine 62.
Molecular consequence: inframe deletion.
Genome position (GRCh38, 1-based): chrX:153,688,760-153,688,762, CAT deleted; deleting any 3 consecutive bases within chrX:153,688,756-153,688,762 gives the same sequence; the position shown is the placement nearest the transcript's 3' end. VCF-style (leftmost placement, unchanged base first): chrX-153688755-TTCA-T. GRCh37 (hg19) VCF-style: chrX-152954210-TTCA-T.
Other names: c.183CAT[1], p.Ile62del (NM_001142805.2); short protein forms I62del.
Identifiers: ClinVar variation 3340572 (VCV003340572.1).

ClinVar aggregate classification (germline): Uncertain significance (1 of 4 stars; one submission).

Submission:

GeneDx
Classification: Uncertain significance. Last evaluated: 2024-03-18. Review status: criteria provided, single submitter. Criteria: GeneDx Variant Classification Process June 2021. Collection method: clinical testing. Allele origin: germline. Affected: yes.
Comment: Observed in hemizygous state in a patient with likely x-linked creatine transporter deficiency in the literature and not observed in hemizygous state in controls; however, no further clinical information was provided (PMID: 23644449); In-frame deletion of 1 amino acid in a non-repeat region; Not observed at significant frequency in large population cohorts (gnomAD); In silico analysis supports a deleterious effect on protein structure/function; This variant is associated with the following publications: (PMID: 23644449)